The following is an entry in ClinVar:

ClinVar aggregate classification (germline): Uncertain significance. Review status: criteria provided, multiple submitters, no conflicts (2 of 4 stars). 3 submissions from 3 submitters: Uncertain significance (3). Last evaluated 2025-07-15.

Conditions:
Progressive myoclonic epilepsy. Also called: Myoclonic Epilepsies, Progressive; Progressive myoclonus epilepsy; Familial progressive myoclonic epilepsy; Myoclonus epilepsy. Identifiers: Orphanet 308, Orphanet 98261, MedGen C0751778, MONDO:0020074.
Inborn genetic diseases. Identifiers: MedGen C0950123, MeSH D030342.

Allele frequency attached by ClinVar (database versions not stated): gnomAD 0.00002; gnomAD exomes 0.00002 and 0.00004; ExAC 0.00005.
gnomAD v4.1: 35 of 1,614,114 alleles (0.0022%); highest among the groups gnomAD compares: South Asian, 0.032%; no homozygotes.

Submissions (3):

Ambry Genetics
Classification: Uncertain significance for Inborn genetic diseases. Last evaluated: 2025-07-15. Review status: criteria provided, single submitter. Criteria: Ambry Variant Classification Scheme 2023. Collection method: clinical testing. Allele origin: germline.

Labcorp Genetics (formerly Invitae), Labcorp
Classification: Uncertain significance for Progressive myoclonic epilepsy. Last evaluated: 2022-09-15. Review status: criteria provided, single submitter. Criteria: Invitae Variant Classification Sherloc (09022015). Collection method: clinical testing. Allele origin: germline.
Comment: This sequence change replaces histidine, which is basic and polar, with arginine, which is basic and polar, at codon 75 of the CSTB protein (p.His75Arg). This variant is present in population databases (rs755073483, gnomAD 0.03%). This variant has not been reported in the literature in individuals affected with CSTB-related conditions. ClinVar contains an entry for this variant (Variation ID: 1306155). Algorithms developed to predict the effect of missense changes on protein structure and function are either unavailable or do not agree on the potential impact of this missense change (SIFT: "Tolerated"; PolyPhen-2: "Probably Damaging"; Align-GVGD: "Class C0"). In summary, the available evidence is currently insufficient to determine the role of this variant in disease. Therefore, it has been classified as a Variant of Uncertain Significance.

GeneDx
Classification: Uncertain significance. Last evaluated: 2019-05-31. Review status: criteria provided, single submitter. Criteria: GeneDx Variant Classification Process June 2021. Collection method: clinical testing. Allele origin: germline. Affected: yes.
Comment: In silico analysis, which includes protein predictors and evolutionary conservation, supports a deleterious effect; Has not been previously published as pathogenic or benign to our knowledge

NM_000100.4(CSTB):c.224A>G (p.His75Arg)

Gene: CSTB (cystatin B; minus strand). Cytogenetic location: 21q22.3.
Variant type: single nucleotide variant.
Coding change: c.224A>G on transcript NM_000100.4 (MANE Select); coding-DNA position 224, A replaced by G.
Protein change: p.His75Arg; replaces histidine 75 with arginine.
Molecular consequence: missense variant.
Genome position (GRCh38, 1-based): chr21:43,774,275, T>C on the plus strand (A>G on the coding strand, the complement: CSTB is on the minus strand). VCF-style: chr21-43774275-T-C. GRCh37 (hg19) VCF-style: chr21-45194156-T-C.
Other names: short protein forms H75R.
Identifiers: ClinVar variation 1306155 (VCV001306155.6), dbSNP rs755073483, ClinGen allele CA10048866.